The following is an entry in ClinVar:

NM_001754.5(RUNX1):c.646C>T (p.Pro216Ser)

Gene: RUNX1 (RUNX family transcription factor 1; minus strand). Cytogenetic location: 21q22.12.
Variant type: single nucleotide variant.
Coding change: c.646C>T on transcript NM_001754.5 (MANE Select); coding-DNA position 646, C replaced by T.
Protein change: p.Pro216Ser; replaces proline 216 with serine.
Molecular consequence: missense variant.
Genome position (GRCh38, 1-based): chr21:34,834,569, G>A on the plus strand (C>T on the coding strand, the complement: RUNX1 is on the minus strand). VCF-style: chr21-34834569-G-A. GRCh37 (hg19) VCF-style: chr21-36206866-G-A.
Other names: NM_001754.5(RUNX1):c.646C>T; p.Pro216Ser; c.565C>T, p.Pro189Ser (NM_001001890.3, NM_001122607.2); short protein forms P189S, P216S.
Identifiers: ClinVar variation 1482695 (VCV001482695.7), dbSNP rs1433717208, ClinGen allele CA410207059.

ClinVar aggregate classification (germline): Uncertain significance. Review status: reviewed by expert panel (3 of 4 stars). 2 submissions from 2 submitters: Uncertain significance (1). 1 of the submissions does not count toward it. Last evaluated 2024-07-11.

Conditions:
Hereditary thrombocytopenia and hematological cancer predisposition syndrome associated with RUNX1. Also called: RUNX1 Familial Platelet Disorder with Associated Myeloid Malignancies; Familial Platelet Disorder with Propensity to Acute Myelogenous Leukemia; Familial thrombocytopenia with propensity to acute myelogenous leukemia; PLATELET DISORDER, ASPIRIN-LIKE. Identifiers: Orphanet 71290, MedGen C1832388, MeSH C563324, MONDO:0100083, OMIM 601399.
Hereditary thrombocytopenia and hematologic cancer predisposition syndrome. Identifiers: Orphanet 71290, MedGen CN281654, MONDO:0011071.

Allele frequency attached by ClinVar (database versions not stated): gnomAD exomes below 0.00001.

Submissions (2):

ClinGen Myeloid Malignancy Variant Curation Expert Panel
Classification: Uncertain significance for Hereditary thrombocytopenia and hematologic cancer predisposition syndrome. Last evaluated: 2024-07-11. Review status: reviewed by expert panel. Criteria: ClinGen MyeloMalig ACMG Specifications v2. Collection method: curation. Allele origin: germline. Inheritance: Autosomal dominant inheritance.
Comment: NM_001754.5(RUNX1): c.646C>T (p.Pro216Ser) is a missense variant which has a REVEL score < 0.50 (0.381) and a SpliceAI score ≤ 0.20 (0.0) (BP4). In summary, the clinical significance of this variant is uncertain. ACMG/AMP criteria applied, as specified by the Myeloid Malignancy Variant Curation Expert Panel for RUNX1: BP4.

Labcorp Genetics (formerly Invitae), Labcorp
Classification: Uncertain significance for Hereditary thrombocytopenia and hematological cancer predisposition syndrome associated with RUNX1. Last evaluated: 2021-10-18. Review status: criteria provided, single submitter. Criteria: Invitae Variant Classification Sherloc (09022015). Collection method: clinical testing. Allele origin: germline. Not counted in ClinVar's aggregate classification.
Comment: This variant has not been reported in the literature in individuals affected with RUNX1-related conditions. This variant is not present in population databases (ExAC no frequency). This sequence change replaces proline with serine at codon 216 of the RUNX1 protein (p.Pro216Ser). The proline residue is moderately conserved and there is a moderate physicochemical difference between proline and serine. Algorithms developed to predict the effect of missense changes on protein structure and function (SIFT, PolyPhen-2, Align-GVGD) all suggest that this variant is likely to be tolerated. In summary, the available evidence is currently insufficient to determine the role of this variant in disease. Therefore, it has been classified as a Variant of Uncertain Significance.